The following is an entry in ClinVar:

NM_152564.5(VPS13B):c.1563+1G>T

Gene: VPS13B (vacuolar protein sorting 13 homolog B; plus strand). Cytogenetic location: 8q22.2.
Variant type: single nucleotide variant.
Coding change: c.1563+1G>T on transcript NM_152564.5 (MANE Select); the canonical splice donor site of the intron after coding-DNA position 1563, G replaced by T.
Molecular consequence: splice donor variant.
Genome position (GRCh38, 1-based): chr8:99,135,734, G>T. VCF-style: chr8-99135734-G-T. GRCh37 (hg19) VCF-style: chr8-100147962-G-T.
Other names: c.1563+1G>T (NM_017890.5, NM_015243.3, NM_152564.4).
Identifiers: ClinVar variation 1520665 (VCV001520665.9), dbSNP rs1057516923, ClinGen allele CA371863402.

ClinVar aggregate classification (germline): Likely pathogenic. Review status: criteria provided, multiple submitters, no conflicts (2 of 4 stars). 2 submissions from 2 submitters: Likely pathogenic (2). Last evaluated 2026-05-04.

Conditions:
VPS13B-related disorder. Also called: VPS13B-related condition.
Cohen syndrome (COH1). Also called: Cutis verticis gyrata, retinitis pigmentosa, and sensorineural deafness; PEPPER SYNDROME. Identifiers: Orphanet 193, MedGen C0265223, MONDO:0008999, OMIM 216550.

Submissions (2):

PreventionGenetics, part of Exact Sciences
Classification: Likely pathogenic for VPS13B-related condition. Last evaluated: 2026-05-04. Review status: criteria provided, single submitter. Criteria: ACMG Guidelines, 2015. Collection method: clinical testing. Allele origin: germline.
Comment: The VPS13B c.1563+1G>T variant is predicted to disrupt the GT donor site and interfere with normal splicing. To our knowledge, this variant has not been reported in the literature or population database (gnomAD), indicating that this variant is rare. Variants that disrupt the consensus splice donor site in VPS13B are expected to be pathogenic. This variant is interpreted as likely pathogenic.

Labcorp Genetics (formerly Invitae), Labcorp
Classification: Likely pathogenic for Cohen syndrome. Last evaluated: 2021-04-20. Review status: criteria provided, single submitter. Criteria: Invitae Variant Classification Sherloc (09022015). Collection method: clinical testing. Allele origin: germline.
Comment: This sequence change affects a donor splice site in intron 11 of the VPS13B gene. It is expected to disrupt RNA splicing. Variants that disrupt the donor or acceptor splice site typically lead to a loss of protein function (PMID: 16199547), and loss-of-function variants in VPS13B are known to be pathogenic (PMID: 15141358, 16648375, 20461111). This variant is not present in population databases (ExAC no frequency). This variant has not been reported in the literature in individuals with VPS13B-related conditions. Algorithms developed to predict the effect of sequence changes on RNA splicing suggest that this variant may disrupt the consensus splice site, but this prediction has not been confirmed by published transcriptional studies. In summary, the currently available evidence indicates that the variant is pathogenic, but additional data are needed to prove that conclusively. Therefore, this variant has been classified as Likely Pathogenic.

Literature cited by the submitters: PubMed 16199547 (cited by Labcorp Genetics (formerly Invitae), Labcorp); PubMed 15141358 (cited by Labcorp Genetics (formerly Invitae), Labcorp); PubMed 16648375 (cited by Labcorp Genetics (formerly Invitae), Labcorp); PubMed 20461111 (cited by Labcorp Genetics (formerly Invitae), Labcorp).